The following is an entry in ClinVar:

ClinVar aggregate classification (germline): Uncertain significance (1 of 4 stars; one submission).

Submission:

Women's Health and Genetics/Laboratory Corporation of America, LabCorp
Classification: Uncertain significance. Last evaluated: 2024-09-13. Review status: criteria provided, single submitter. Criteria: LabCorp Variant Classification Summary - May 2015. Collection method: clinical testing. Allele origin: germline.
Comment: Variant summary: VWF c.3751_3762del12 (p.Pro1251_Pro1254del) results in an in-frame deletion that is predicted to remove 4 amino acids from the encoded protein. The variant was absent in 247372 control chromosomes. The available data on variant occurrences in the general population are insufficient to allow any conclusion about variant significance. To our knowledge, no occurrence of c.3751_3762del12 in individuals affected with Von Willebrand Disease and no experimental evidence demonstrating its impact on protein function have been reported. No submitters have cited clinical-significance assessments for this variant to ClinVar. Based on the evidence outlined above, the variant was classified as uncertain significance.

NM_000552.5(VWF):c.3751_3762del (p.Pro1251_Pro1254del)

Gene: VWF (von Willebrand factor; minus strand). Cytogenetic location: 12p13.31.
Variant type: Deletion.
Coding change: c.3751_3762del on transcript NM_000552.5 (MANE Select); coding-DNA positions 3751 to 3762, 12 bases deleted (CCGGTGAGCCCC).
Protein change: p.Pro1251_Pro1254del.
Genome position (GRCh38, 1-based): chr12:6,019,656-6,019,667, GGGGCTCACCGG deleted on the plus strand (CCGGTGAGCCCC on the coding strand, the reverse complement: VWF is on the minus strand); deleting any 12 consecutive bases within chr12:6,019,656-6,019,669 gives the same sequence; the c. name uses the placement nearest the transcript's 3' end. VCF-style (leftmost placement, unchanged base first): chr12-6019655-TGGGGCTCACCGG-T. GRCh37 (hg19) VCF-style: chr12-6128821-TGGGGCTCACCGG-T.
Other names: c.3751_3762del12 (NM_000552.5).
Identifiers: ClinVar variation 3374833 (VCV003374833.1).